The following is an entry in ClinVar:

ClinVar aggregate classification (germline): Likely benign. Review status: criteria provided, multiple submitters, no conflicts (2 of 4 stars). 2 submissions from 2 submitters: Likely benign (2). Last evaluated 2026-01-12.

Conditions:
Chédiak-Higashi syndrome (CHS). Also called: Chediak-Higashi Syndrome. Identifiers: Orphanet 167, MedGen C0007965, MONDO:0008963, OMIM 214500.

Allele frequency attached by ClinVar (database versions not stated): gnomAD 0.00001; gnomAD exomes 0.00001.
gnomAD v4.1: 9 of 1,613,878 alleles (0.00056%); highest among the groups gnomAD compares: Middle Eastern, 0.016%; no homozygotes.

Submissions (2):

Labcorp Genetics (formerly Invitae), Labcorp
Classification: Likely benign for Chédiak-Higashi syndrome. Last evaluated: 2026-01-12. Review status: criteria provided, single submitter. Criteria: Invitae Variant Classification Sherloc (09022015). Collection method: clinical testing. Allele origin: germline.

CeGaT Center for Human Genetics Tuebingen
Classification: Likely benign. Last evaluated: 2023-02-01. Review status: criteria provided, single submitter. Criteria: CeGaT Center For Human Genetics Tuebingen Variant Classification Criteria Version 2. Collection method: clinical testing. Allele origin: germline. Affected: yes. Observed: 1 variant allele.
Comment: LYST: BP4, BP7

NM_000081.4(LYST):c.1836G>A (p.Leu612=)

Gene: LYST (lysosomal trafficking regulator; minus strand). Cytogenetic location: 1q42.3.
Variant type: single nucleotide variant.
Coding change: c.1836G>A on transcript NM_000081.4 (MANE Select); coding-DNA position 1836, G replaced by A.
Protein change: p.Leu612=; no amino-acid change (leucine 612 retained).
Molecular consequence: synonymous variant.
Genome position (GRCh38, 1-based): chr1:235,808,982, C>T on the plus strand (G>A on the coding strand, the complement: LYST is on the minus strand). VCF-style: chr1-235808982-C-T. GRCh37 (hg19) VCF-style: chr1-235972282-C-T.
Other names: c.1836G>A, p.Leu612= (NM_001301365.1).
Identifiers: ClinVar variation 2640101 (VCV002640101.27), dbSNP rs1027014295, ClinGen allele CA39617858.